The following is an entry in ClinVar:

ClinVar aggregate classification (germline): Uncertain significance. Review status: criteria provided, multiple submitters, no conflicts (2 of 4 stars). 2 submissions from 2 submitters: Uncertain significance (2). Last evaluated 2023-03-03.

Conditions:
Nijmegen breakage syndrome-like disorder (NBSLD). Also called: MICROCEPHALY AND SPONTANEOUS CHROMOSOME INSTABILITY WITHOUT IMMUNODEFICIENCY; NBS-LIKE DISORDER; RAD50 DEFICIENCY. Identifiers: Orphanet 240760, MedGen C2751318, MONDO:0013118, OMIM 613078.
Hereditary cancer-predisposing syndrome. Also called: Hereditary neoplastic syndrome; Tumor predisposition; Neoplastic Syndromes, Hereditary; Hereditary Cancer Syndrome. Identifiers: Orphanet 140162, MedGen C0027672, MeSH D009386, MONDO:0015356.

gnomAD v4.1: 1 of 1,613,520 alleles (0.000062%); highest among the groups gnomAD compares: Admixed American, 0.0017%; no homozygotes.

Submissions (2):

Ambry Genetics
Classification: Uncertain significance for Hereditary cancer-predisposing syndrome. Last evaluated: 2023-03-03. Review status: criteria provided, single submitter. Criteria: Ambry Variant Classification Scheme 2023. Collection method: clinical testing. Allele origin: germline.
Comment: The p.S703C variant (also known as c.2108C>G), located in coding exon 13 of the RAD50 gene, results from a C to G substitution at nucleotide position 2108. The serine at codon 703 is replaced by cysteine, an amino acid with dissimilar properties. This amino acid position is conserved. In addition, this alteration is predicted to be tolerated by in silico analysis. Since supporting evidence is limited at this time, the clinical significance of this alteration remains unclear.

Sema4
Classification: Uncertain significance for Nijmegen breakage syndrome-like disorder. Last evaluated: 2021-08-18. Review status: criteria provided, single submitter. Criteria: Sema4 Curation Guidelines. Collection method: curation. Allele origin: germline.
Comment: The RAD50 c.2108C>G (p.S703C) variant has not been reported in the literature to our knowledge. It was not observed in the large and broad cohorts of the Genome Aggregation Database (PMID: 32461654). The variant has not been reported in ClinVar. Functional studies have not been performed, and in silico predictions of the variant's effect on protein function are inconclusive. The evidence is insufficient to meet ACMG/AMP criteria for classifying the variant as benign or pathogenic. Thus, the clinical significance of this variant is currently uncertain.

NM_005732.4(RAD50):c.2108C>G (p.Ser703Cys)

Gene: RAD50 (RAD50 double strand break repair protein; plus strand). Cytogenetic location: 5q31.1.
Variant type: single nucleotide variant.
Coding change: c.2108C>G on transcript NM_005732.4 (MANE Select); coding-DNA position 2108, C replaced by G.
Protein change: p.Ser703Cys; replaces serine 703 with cysteine.
Molecular consequence: missense variant.
Genome position (GRCh38, 1-based): chr5:132,595,711, C>G. VCF-style: chr5-132595711-C-G. GRCh37 (hg19) VCF-style: chr5-131931403-C-G.
Other names: short protein forms S703C.
Identifiers: ClinVar variation 1692906 (VCV001692906.3), dbSNP rs769143998, ClinGen allele CA360950121.